The following is an entry in ClinVar:

NM_001378964.1(CDON):c.310G>A (p.Gly104Ser)

Gene: CDON (cell adhesion associated, oncogene regulated; minus strand). Cytogenetic location: 11q24.2.
Variant type: single nucleotide variant.
Coding change: c.310G>A on transcript NM_001378964.1 (MANE Select); coding-DNA position 310, G replaced by A.
Protein change: p.Gly104Ser; replaces glycine 104 with serine.
Molecular consequence: missense variant.
Genome position (GRCh38, 1-based): chr11:126,021,287, C>T on the plus strand (G>A on the coding strand, the complement: CDON is on the minus strand). VCF-style: chr11-126021287-C-T. GRCh37 (hg19) VCF-style: chr11-125891182-C-T.
Other names: c.310G>A, p.Gly104Ser (NM_001243597.3, NM_001441161.1, NM_001441162.1 and 5 more transcripts); short protein forms G104S.
Identifiers: ClinVar variation 4751089 (VCV004751089.2).

ClinVar aggregate classification (germline): Uncertain significance. Review status: criteria provided, multiple submitters, no conflicts (2 of 4 stars). 2 submissions from 2 submitters: Uncertain significance (2). Last evaluated 2025-12-15.

Conditions:
Holoprosencephaly 11 (HPE11). Identifiers: Orphanet 2162, MedGen C3280215, MONDO:0013642, OMIM 614226.
Inborn genetic diseases. Identifiers: MedGen C0950123, MeSH D030342.

gnomAD v4.1: 13 of 1,613,948 alleles (0.00081%); highest among the groups gnomAD compares: African/African-American, 0.0027%; no homozygotes.

Submissions (2):

Ambry Genetics
Classification: Uncertain significance for Inborn genetic diseases. Last evaluated: 2025-12-15. Review status: criteria provided, single submitter. Criteria: Ambry Variant Classification Scheme 2023. Collection method: clinical testing. Allele origin: germline.

Labcorp Genetics (formerly Invitae), Labcorp
Classification: Uncertain significance for Holoprosencephaly 11. Last evaluated: 2025-06-12. Review status: criteria provided, single submitter. Criteria: Invitae Variant Classification Sherloc (09022015). Collection method: clinical testing. Allele origin: germline.
Comment: This sequence change replaces glycine, which is neutral and non-polar, with serine, which is neutral and polar, at codon 104 of the CDON protein (p.Gly104Ser). This variant is present in population databases (rs375179830, gnomAD 0.006%). This variant has not been reported in the literature in individuals affected with CDON-related conditions. An algorithm developed to predict the effect of missense changes on protein structure and function (PolyPhen-2) suggests that this variant is likely to be disruptive. In summary, the available evidence is currently insufficient to determine the role of this variant in disease. Therefore, it has been classified as a Variant of Uncertain Significance.